The following is an entry in ClinVar:

NM_006231.4(POLE):c.3002A>G (p.Glu1001Gly)

Gene: POLE (DNA polymerase epsilon, catalytic subunit; minus strand). Cytogenetic location: 12q24.33.
Variant type: single nucleotide variant.
Coding change: c.3002A>G on transcript NM_006231.4 (MANE Select); coding-DNA position 3002, A replaced by G.
Protein change: p.Glu1001Gly; replaces glutamic acid 1001 with glycine.
Molecular consequence: missense variant.
Genome position (GRCh38, 1-based): chr12:132,661,027, T>C on the plus strand (A>G on the coding strand, the complement: POLE is on the minus strand). VCF-style: chr12-132661027-T-C. GRCh37 (hg19) VCF-style: chr12-133237613-T-C.
Other names: short protein forms E1001G.
Identifiers: ClinVar variation 3225431 (VCV003225431.3), dbSNP rs2042667051, ClinGen allele CA387392317.
Genomic context (GRCh38, chr12:132,661,027, plus strand): 5'-ACCTTGCTGTACAGCACGTCCAGCCAGTAGTCAGCCACCTTGGCTACAGAGCCATACACC[T>C]CTTCCAGCGTGCTGCCCTTGAGGAAGGCCTCAAACACCGAGGATTGGAAGATCTTAATCA-3'
Protein context (NP_006222.2, residues 991-1011): EAFLKGSTLE[Glu1001Gly]VYGSVAKVAD

ClinVar aggregate classification (germline): Uncertain significance. Review status: criteria provided, multiple submitters, no conflicts (2 of 4 stars). 2 submissions from 2 submitters: Uncertain significance (2). Last evaluated 2024-12-24.

Conditions:
Hereditary cancer-predisposing syndrome. Also called: Neoplastic Syndromes, Hereditary; Tumor predisposition; Hereditary neoplastic syndrome; Hereditary Cancer Syndrome. Identifiers: Orphanet 140162, MedGen C0027672, MeSH D009386, MONDO:0015356.

Submissions (2):

Labcorp Genetics (formerly Invitae), Labcorp
Classification: Uncertain significance. Last evaluated: 2024-12-24. Review status: criteria provided, single submitter. Criteria: Invitae Variant Classification Sherloc (09022015). Collection method: clinical testing. Allele origin: germline.
Comment: This sequence change replaces glutamic acid, which is acidic and polar, with glycine, which is neutral and non-polar, at codon 1001 of the POLE protein (p.Glu1001Gly). This variant is not present in population databases (gnomAD no frequency). This variant has not been reported in the literature in individuals affected with POLE-related conditions. ClinVar contains an entry for this variant (Variation ID: 3225431). Invitae Evidence Modeling of protein sequence and biophysical properties (such as structural, functional, and spatial information, amino acid conservation, physicochemical variation, residue mobility, and thermodynamic stability) indicates that this missense variant is not expected to disrupt POLE protein function with a negative predictive value of 80%. In summary, the available evidence is currently insufficient to determine the role of this variant in disease. Therefore, it has been classified as a Variant of Uncertain Significance.

Ambry Genetics
Classification: Uncertain significance for Hereditary cancer-predisposing syndrome. Last evaluated: 2024-02-24. Review status: criteria provided, single submitter. Criteria: Ambry Variant Classification Scheme 2023. Collection method: clinical testing. Allele origin: germline.
Comment: The p.E1001G variant (also known as c.3002A>G), located in coding exon 25 of the POLE gene, results from an A to G substitution at nucleotide position 3002. The glutamic acid at codon 1001 is replaced by glycine, an amino acid with similar properties. This amino acid position is conserved. In addition, the in silico prediction for this alteration is inconclusive. Based on the available evidence, the clinical significance of this alteration remains unclear.